The following is an entry in ClinVar:

NM_001172509.2(SATB2):c.382dup (p.Leu128fs)

Gene: SATB2 (SATB homeobox 2; minus strand). Cytogenetic location: 2q33.1.
Variant type: Duplication.
Coding change: c.382dup on transcript NM_001172509.2 (MANE Select); coding-DNA position 382, one base duplicated (C; older notation c.382dupC).
Protein change: p.Leu128fs; shifts the reading frame from leucine 128.
Molecular consequence: frameshift variant.
Genome position (GRCh38, 1-based): chr2:199,381,785, G duplicated on the plus strand (C on the coding strand, the reverse complement: SATB2 is on the minus strand); the first of 5 consecutive G bases (chr2:199,381,785-199,381,789); duplicating any one gives the same sequence. VCF-style (leftmost placement, unchanged base first): chr2-199381784-A-AG. GRCh37 (hg19) VCF-style: chr2-200246507-A-AG.
Other names: c.382dup, p.Leu128fs (NM_001172517.1, NM_015265.4); short protein forms L128fs.
Identifiers: ClinVar variation 4531808 (VCV004531808.1).

ClinVar aggregate classification (germline): Pathogenic (1 of 4 stars; one submission).

Conditions:
Chromosome 2q32-q33 deletion syndrome (GLASS). Also called: Glass syndrome; 2q33.1 deletion syndrome. Identifiers: Orphanet 251019, MedGen C2676739, MONDO:0012864, OMIM 612313.

Submission:

Victorian Clinical Genetics Services, Murdoch Childrens Research Institute
Classification: Pathogenic for Chromosome 2q32-q33 deletion syndrome. Last evaluated: 2025-09-30. Review status: criteria provided, single submitter. Criteria: ACMG Guidelines, 2015. Collection method: clinical testing. Allele origin: germline. Affected: yes.
Comment: This variant is classified as Pathogenic. Evidence in support of pathogenic classification: Variant is predicted to cause nonsense-mediated decay (NMD) and loss of protein (premature termination codon is located at least 54 nucleotides upstream of the final exon-exon junction); Variant is absent from gnomAD (v2, v3 and v4); Other NMD-predicted variants comparable to the one identified in this case have very strong previous evidence for pathogenicity (DECIPHER); Additional information: This variant is heterozygous; This gene is associated with autosomal dominant disease; Loss of function is a known mechanism of disease in this gene and is associated with Glass syndrome (MIM#612313); Variants in this gene are known to have variable expressivity (OMIM).